The following is an entry in ClinVar:

ClinVar aggregate classification (germline): Conflicting classifications of pathogenicity. Review status: criteria provided, conflicting classifications (1 of 4 stars). 3 submissions from 3 submitters: Uncertain significance (1); Benign (1). 1 of the submissions does not count toward it. Last evaluated 2026-04-01.

Conditions:
SLC7A3-related disorder. Also called: SLC7A3-related condition.

Allele frequency attached by ClinVar (database versions not stated): gnomAD 0.00228 and 0.00232; gnomAD exomes 0.00231 and 0.00272; ESP Exome Variant Server 0.00246; TOPMed 0.00290; 1000 Genomes Project 0.00318; 1000 Genomes Project 30x 0.00354.
gnomAD v4.1: 3,289 of 1,209,657 alleles (0.27%); highest among the groups gnomAD compares: Middle Eastern, 1.2%; 7 homozygotes.

Submissions (3):

CeGaT Center for Human Genetics Tuebingen
Classification: Benign. Last evaluated: 2026-04-01. Review status: criteria provided, single submitter. Criteria: CeGaT Center For Human Genetics Tuebingen Variant Classification Criteria Version 2. Collection method: clinical testing. Allele origin: germline. Affected: yes. Observed: 17 variant alleles.
Comment: SLC7A3: BS1, BS2

Department of Pathology and Laboratory Medicine, Sinai Health System
Classification: Uncertain significance for SLC7A3-related disorder. Last evaluated: 2022-11-08. Review status: criteria provided, single submitter. Criteria: ACMG Guidelines, 2015. Collection method: research. Allele origin: germline.

PreventionGenetics, part of Exact Sciences
Classification: Likely benign for SLC7A3-related condition. Last evaluated: 2021-12-02. Review status: no assertion criteria provided. Collection method: clinical testing. Allele origin: germline. Not counted in ClinVar's aggregate classification.
Comment: This variant is classified as likely benign based on ACMG/AMP sequence variant interpretation guidelines (Richards et al. 2015 PMID: 25741868, with internal and published modifications).

NM_032803.6(SLC7A3):c.1766G>C (p.Ser589Thr)

Gene: SLC7A3 (solute carrier family 7 member 3; minus strand). Cytogenetic location: Xq13.1.
Variant type: single nucleotide variant.
Coding change: c.1766G>C on transcript NM_032803.6 (MANE Select); coding-DNA position 1766, G replaced by C.
Protein change: p.Ser589Thr; replaces serine 589 with threonine.
Molecular consequence: missense variant.
Genome position (GRCh38, 1-based): chrX:70,925,907, C>G on the plus strand (G>C on the coding strand, the complement: SLC7A3 is on the minus strand). VCF-style: chrX-70925907-C-G. GRCh37 (hg19) VCF-style: chrX-70145757-C-G.
Other names: c.1766G>C, p.Ser589Thr (NM_001048164.3); c.1766G>C (NM_001048164.2); short protein forms S589T.
Identifiers: ClinVar variation 807745 (VCV000807745.44), dbSNP rs149447856, ClinGen allele CA10443017.